The following is an entry in ClinVar:

ClinVar aggregate classification (germline): Likely pathogenic (1 of 4 stars; one submission).

Conditions:
Hereditary cancer-predisposing syndrome. Also called: Tumor predisposition; Neoplastic Syndromes, Hereditary; Hereditary Cancer Syndrome; Hereditary neoplastic syndrome. Identifiers: Orphanet 140162, MedGen C0027672, MeSH D009386, MONDO:0015356.

Submission:

Ambry Genetics
Classification: Likely pathogenic for Hereditary cancer-predisposing syndrome. Last evaluated: 2024-08-12. Review status: criteria provided, single submitter. Criteria: Ambry Variant Classification Scheme 2023. Collection method: clinical testing. Allele origin: germline.
Comment: The c.3270-2A>G intronic variant results from an A to G substitution two nucleotides upstream from coding exon 20 in the DICER1 gene. This variant is considered to be rare based on population cohorts in the Genome Aggregation Database (gnomAD). This nucleotide position is highly conserved in available vertebrate species. In silico splice site analysis predicts that this alteration will weaken the native splice acceptor site. Alterations that disrupt the canonical splice site are expected to cause aberrant splicing, resulting in an abnormal protein or a transcript that is subject to nonsense-mediated mRNA decay. As such, this alteration is classified as likely pathogenic.

NM_177438.3(DICER1):c.3270-2A>G

Gene: DICER1 (dicer 1, ribonuclease III; minus strand). Cytogenetic location: 14q32.13.
Variant type: single nucleotide variant.
Coding change: c.3270-2A>G on transcript NM_177438.3 (MANE Select); the canonical splice acceptor site of the intron before coding-DNA position 3270, A replaced by G.
Molecular consequence: splice acceptor variant.
Genome position (GRCh38, 1-based): chr14:95,104,128, T>C on the plus strand (A>G on the coding strand, the complement: DICER1 is on the minus strand). VCF-style: chr14-95104128-T-C. GRCh37 (hg19) VCF-style: chr14-95570465-T-C.
Other names: c.3270-2A>G (NM_001291628.2, NM_030621.4, NM_001395677.1 and 12 more transcripts); c.2865-2A>G (NM_001395690.1, NM_001395687.1, NM_001395689.1 and 2 more transcripts); c.2988-2A>G (NM_001395686.1); c.2703-2A>G (NM_001395691.1); c.1587-2A>G (NM_001395697.1).
Identifiers: ClinVar variation 3501837 (VCV003501837.1).